The following is an entry in ClinVar:

ClinVar aggregate classification (germline): Pathogenic (1 of 4 stars; one submission).

Submission:

GeneDx
Classification: Pathogenic. Last evaluated: 2016-09-27. Review status: criteria provided, single submitter. Criteria: GeneDx Variant Classification (06012015). Collection method: clinical testing. Allele origin: germline. Affected: yes.
Comment: The c.6105delA pathogenic variant in the CHD7 gene causes a frameshift starting with codon Glutamic acid 2035, changes this amino acid to a Aspartic acid residue and creates a premature Stop codon at position 8 of the new reading frame, denoted p.Glu2035AspfsX8. This pathogenic variant is predicted to cause loss of normal protein function either through protein truncation or nonsense-mediated mRNA decay. Additionally, the c.6105delA variant was not observed in approximately 5,900 individuals of European and African American ancestry in the NHLBI Exome Sequencing Project. Therefore, we consider this variant to be pathogenic.

NM_017780.4(CHD7):c.6105del (p.Glu2035fs)

Gene: CHD7 (chromodomain helicase DNA binding protein 7; plus strand). Cytogenetic location: 8q12.2.
Variant type: Deletion.
Coding change: c.6105del on transcript NM_017780.4 (MANE Select); coding-DNA position 6105, one base deleted (A; older notation c.6105delA).
Protein change: p.Glu2035fs; shifts the reading frame from glutamic acid 2035.
Molecular consequence: frameshift variant. On other transcripts: intron variant (1).
Genome position (GRCh38, 1-based): chr8:60,852,830, A deleted; the last of 2 consecutive A bases (chr8:60,852,829-60,852,830); deleting either gives the same sequence. VCF-style (leftmost placement, unchanged base first): chr8-60852828-GA-G. GRCh37 (hg19) VCF-style: chr8-61765387-GA-G.
Other names: c.6105del (LRG_176t1); c.1717-9399del (NM_001316690.1); short protein forms E2035fs.
Identifiers: ClinVar variation 280905 (VCV000280905.2), dbSNP rs886042024, ClinGen allele CA10603069.